The following is an entry in ClinVar:

NC_000006.11:g.(?_65622367)_(65655817_?)dup

Gene: EYS (eyes shut homolog; minus strand). Cytogenetic location: 6q12.
Variant type: Duplication.
Identifiers: ClinVar variation 2423854 (VCV002423854.4).

ClinVar aggregate classification (germline): Likely pathogenic (1 of 4 stars; one submission).

Submission:

Labcorp Genetics (formerly Invitae), Labcorp
Classification: Likely pathogenic. Last evaluated: 2021-12-20. Review status: criteria provided, single submitter. Criteria: Invitae Variant Classification Sherloc (09022015). Collection method: clinical testing. Allele origin: germline.
Comment: In summary, the currently available evidence indicates that the variant is pathogenic, but additional data are needed to prove that conclusively. Therefore, this variant has been classified as Likely Pathogenic. This variant has not been reported in the literature in individuals affected with EYS-related conditions. This variant results in a copy number gain of the genomic region encompassing exon(s) 15-16 of the EYS gene. While the exact position of this variant cannot be determined from the data, sub-genic copy number gains are generally in tandem (PMID: 25640679). This variant is predicted to be out-of-frame, and may result in an absent or disrupted protein product. Loss-of-function variants in EYS are known to be pathogenic (PMID: 18836446, 20333770).

Literature cited by the submitters: PubMed 25640679; PubMed 18836446; PubMed 20333770.